The following is an entry in ClinVar:

ClinVar aggregate classification (germline): Uncertain significance (1 of 4 stars; one submission).

Conditions:
Ehlers-Danlos syndrome, classic type, 1 (EDSCL1). Also called: EHLERS-DANLOS SYNDROME, GRAVIS TYPE; EHLERS-DANLOS SYNDROME, SEVERE CLASSIC TYPE; Ehlers-Danlos syndrome, type 1; Ehlers-Danlos Syndrome, Classic Type, COL5A1-Related; EDS I. Identifiers: MedGen C0268335, MONDO:0019567, OMIM 130000.
Osteogenesis imperfecta type I (OI1). Also called: OI, TYPE I; OSTEOGENESIS IMPERFECTA TARDA; OSTEOGENESIS IMPERFECTA WITH BLUE SCLERAE; Osteogenesis imperfecta type 1; Lobstein's Disease; Lobstein disease. Identifiers: Orphanet 216796, Orphanet 666, MedGen C0023931, MONDO:0008146, OMIM 166200. Disease mechanism: loss of function.

gnomAD v4.1: 1 of 1,613,970 alleles (0.000062%); highest among the groups gnomAD compares: East Asian, 0.0022%; no homozygotes.

Submission:

Labcorp Genetics (formerly Invitae), Labcorp
Classification: Uncertain significance for Osteogenesis imperfecta type I; Ehlers-Danlos syndrome, classic type, 1. Last evaluated: 2024-02-17. Review status: criteria provided, single submitter. Criteria: Invitae Variant Classification Sherloc (09022015). Collection method: clinical testing. Allele origin: germline.
Comment: This sequence change falls in intron 20 of the COL1A2 gene. It does not directly change the encoded amino acid sequence of the COL1A2 protein. It affects a nucleotide within the consensus splice site. This variant is not present in population databases (gnomAD no frequency). This variant has not been reported in the literature in individuals affected with COL1A2-related conditions. Variants that disrupt the consensus splice site are a relatively common cause of aberrant splicing (PMID: 17576681, 9536098). Algorithms developed to predict the effect of sequence changes on RNA splicing suggest that this variant may create or strengthen a splice site. In summary, the available evidence is currently insufficient to determine the role of this variant in disease. Therefore, it has been classified as a Variant of Uncertain Significance.

Literature cited by the submitters: PubMed 17576681; PubMed 9536098.

NM_000089.4(COL1A2):c.1089+3A>G

Gene: COL1A2 (collagen type I alpha 2 chain; plus strand). Cytogenetic location: 7q21.3.
Variant type: single nucleotide variant.
Coding change: c.1089+3A>G on transcript NM_000089.4 (MANE Select); 3 bases into the intron after coding-DNA position 1089, A replaced by G.
Molecular consequence: intron variant.
Genome position (GRCh38, 1-based): chr7:94,410,298, A>G. VCF-style: chr7-94410298-A-G. GRCh37 (hg19) VCF-style: chr7-94039610-A-G.
Identifiers: ClinVar variation 3762292 (VCV003762292.2).